The following is an entry in ClinVar:

NM_007078.3(LDB3):c.509C>T (p.Ala170Val)

Gene: LDB3 (LIM domain binding 3; plus strand). Cytogenetic location: 10q23.2.
Variant type: single nucleotide variant.
Coding change: c.509C>T on transcript NM_007078.3 (MANE Select); coding-DNA position 509, C replaced by T.
Protein change: p.Ala170Val; replaces alanine 170 with valine.
Molecular consequence: missense variant. On other transcripts: intron variant (5).
Genome position (GRCh38, 1-based): chr10:86,681,623, C>T. VCF-style: chr10-86681623-C-T. GRCh37 (hg19) VCF-style: chr10-88441380-C-T.
Other names: c.509C>T, p.Ala170Val (NM_001080115.2, NM_001171610.2, NM_001171611.2 and 3 more transcripts); c.321+1466C>T (NM_001368068.1, NM_001368066.1, NM_001080114.2 and 2 more transcripts); short protein forms A170V.
Identifiers: ClinVar variation 4849028 (VCV004849028.2).

ClinVar aggregate classification (germline): Conflicting classifications of pathogenicity. Review status: criteria provided, conflicting classifications (1 of 4 stars). 2 submissions from 2 submitters: Uncertain significance (1); Likely benign (1). Last evaluated 2026-08-11.

Conditions:
Cardiovascular phenotype. Identifiers: MedGen CN230736.

gnomAD v4.1: 30 of 1,613,108 alleles (0.0019%); highest among the groups gnomAD compares: South Asian, 0.033%; no homozygotes.

Submissions (2):

Ambry Genetics
Classification: Likely benign for Cardiovascular phenotype. Last evaluated: 2026-08-11. Review status: criteria provided, single submitter. Criteria: Ambry Variant Classification Scheme 2023. Collection method: clinical testing. Allele origin: germline.

Women's Health and Genetics/Laboratory Corporation of America, LabCorp
Classification: Uncertain significance. Last evaluated: 2026-04-27. Review status: criteria provided, single submitter. Criteria: LabCorp Variant Classification Summary - May 2015. Collection method: clinical testing. Allele origin: germline.
Comment: Variant summary: LDB3 c.509C>T (p.Ala170Val) results in a non-conservative amino acid change in the encoded protein sequence. Algorithms developed to predict the effect of missense changes on protein structure and function are either unavailable or do not agree on the potential impact of this missense change. The variant allele was found at a frequency of 8.1e-06 in 248180 control chromosomes. The available data on variant occurrences in the general population are insufficient to allow any conclusion about variant significance. To our knowledge, no occurrence of c.509C>T in individuals affected with LDB3-related conditions and no experimental evidence demonstrating its impact on protein function have been reported. No submitters have cited clinical-significance assessments for this variant to ClinVar. Based on the evidence outlined above, the variant was classified as uncertain significance.